The following is an entry in ClinVar:

NM_002890.3(RASA1):c.271A>C (p.Thr91Pro)

Gene: RASA1 (RAS p21 protein activator 1; plus strand). Cytogenetic location: 5q14.3.
Variant type: single nucleotide variant.
Coding change: c.271A>C on transcript NM_002890.3 (MANE Select); coding-DNA position 271, A replaced by C.
Protein change: p.Thr91Pro; replaces threonine 91 with proline.
Molecular consequence: missense variant.
Genome position (GRCh38, 1-based): chr5:87,268,722, A>C. VCF-style: chr5-87268722-A-C. GRCh37 (hg19) VCF-style: chr5-86564539-A-C.
Other names: short protein forms T91P.
Identifiers: ClinVar variation 2155606 (VCV002155606.4), dbSNP rs1451305121, ClinGen allele CA360417076.

ClinVar aggregate classification (germline): Uncertain significance (1 of 4 stars; one submission).

Conditions:
Capillary malformation-arteriovenous malformation syndrome. Also called: Capillary malformation-arteriovenous malformation. Identifiers: Orphanet 137667, MedGen C1842180, MONDO:0012016.

Allele frequency attached by ClinVar (database versions not stated): TOPMed below 0.00001; gnomAD exomes below 0.00001.
gnomAD v4.1: 2 of 1,612,624 alleles (0.00012%); highest among the groups gnomAD compares: Non-Finnish European, 0.00017%; no homozygotes.

Submission:

Labcorp Genetics (formerly Invitae), Labcorp
Classification: Uncertain significance for Capillary malformation-arteriovenous malformation syndrome. Last evaluated: 2022-04-25. Review status: criteria provided, single submitter. Criteria: Invitae Variant Classification Sherloc (09022015). Collection method: clinical testing. Allele origin: germline.
Comment: This sequence change replaces threonine, which is neutral and polar, with proline, which is neutral and non-polar, at codon 91 of the RASA1 protein (p.Thr91Pro). In summary, the available evidence is currently insufficient to determine the role of this variant in disease. Therefore, it has been classified as a Variant of Uncertain Significance. Algorithms developed to predict the effect of missense changes on protein structure and function are either unavailable or do not agree on the potential impact of this missense change (SIFT: "Tolerated"; PolyPhen-2: "Possibly Damaging"; Align-GVGD: "Class C0"). This variant has not been reported in the literature in individuals affected with RASA1-related conditions. This variant is present in population databases (no rsID available, gnomAD 0.0009%).